The following is an entry in ClinVar:

NM_018489.3(ASH1L):c.5612A>C (p.Gln1871Pro)

Gene: ASH1L (ASH1 like histone lysine methyltransferase; minus strand). Cytogenetic location: 1q22.
Variant type: single nucleotide variant.
Coding change: c.5612A>C on transcript NM_018489.3 (MANE Select); coding-DNA position 5612, A replaced by C.
Protein change: p.Gln1871Pro; replaces glutamine 1871 with proline.
Molecular consequence: missense variant.
Genome position (GRCh38, 1-based): chr1:155,438,543, T>G on the plus strand (A>C on the coding strand, the complement: ASH1L is on the minus strand). VCF-style: chr1-155438543-T-G. GRCh37 (hg19) VCF-style: chr1-155408334-T-G.
Other names: c.5612A>C, p.Gln1871Pro (NM_001366177.2); short protein forms Q1871P.
Identifiers: ClinVar variation 2766598 (VCV002766598.3), dbSNP rs1662283924, ClinGen allele CA342688641.

ClinVar aggregate classification (germline): Uncertain significance (1 of 4 stars; one submission).

Allele frequency attached by ClinVar (database versions not stated): gnomAD exomes below 0.00001.
gnomAD v4.1: 3 of 1,613,580 alleles (0.00019%); highest among the groups gnomAD compares: Non-Finnish European, 0.00025%; no homozygotes.

Submission:

Labcorp Genetics (formerly Invitae), Labcorp
Classification: Uncertain significance. Last evaluated: 2023-10-07. Review status: criteria provided, single submitter. Criteria: Invitae Variant Classification Sherloc (09022015). Collection method: clinical testing. Allele origin: germline.
Comment: This sequence change replaces glutamine, which is neutral and polar, with proline, which is neutral and non-polar, at codon 1871 of the ASH1L protein (p.Gln1871Pro). This variant is not present in population databases (gnomAD no frequency). This variant has not been reported in the literature in individuals affected with ASH1L-related conditions. An algorithm developed to predict the effect of missense changes on protein structure and function (PolyPhen-2) suggests that this variant is likely to be tolerated. In summary, the available evidence is currently insufficient to determine the role of this variant in disease. Therefore, it has been classified as a Variant of Uncertain Significance.